The following is an entry in ClinVar:

ClinVar aggregate classification (germline): Uncertain significance. Review status: criteria provided, multiple submitters, no conflicts (2 of 4 stars). 3 submissions from 3 submitters: Uncertain significance (3). Last evaluated 2025-01-30.

Conditions:
Hereditary cancer-predisposing syndrome. Also called: Tumor predisposition; Neoplastic Syndromes, Hereditary; Hereditary neoplastic syndrome; Hereditary Cancer Syndrome. Identifiers: Orphanet 140162, MedGen C0027672, MeSH D009386, MONDO:0015356.
Familial cancer of breast. Also called: hereditary breast carcinoma; BREAST CANCER, FAMILIAL; Hereditary breast cancer. Identifiers: Orphanet 227535, MedGen C0346153, MONDO:0016419, OMIM 114480. Disease mechanism: loss of function.

Allele frequency attached by ClinVar (database versions not stated): TOPMed 0.00001.
gnomAD v4.1: 1 of 1,613,784 alleles (0.000062%); highest among the groups gnomAD compares: East Asian, 0.0022%; no homozygotes.

Submissions (3):

Labcorp Genetics (formerly Invitae), Labcorp
Classification: Uncertain significance for Familial cancer of breast. Last evaluated: 2025-01-30. Review status: criteria provided, single submitter. Criteria: Invitae Variant Classification Sherloc (09022015). Collection method: clinical testing. Allele origin: germline.
Comment: This sequence change replaces tyrosine, which is neutral and polar, with phenylalanine, which is neutral and non-polar, at codon 307 of the BARD1 protein (p.Tyr307Phe). This variant is not present in population databases (gnomAD no frequency). This variant has not been reported in the literature in individuals affected with BARD1-related conditions. ClinVar contains an entry for this variant (Variation ID: 631292). An algorithm developed to predict the effect of missense changes on protein structure and function (PolyPhen-2) suggests that this variant¬†is likely to be tolerated. In summary, the available evidence is currently insufficient to determine the role of this variant in disease. Therefore, it has been classified as a Variant of Uncertain Significance.

Ambry Genetics
Classification: Uncertain significance for Hereditary cancer-predisposing syndrome. Last evaluated: 2025-01-14. Review status: criteria provided, single submitter. Criteria: Ambry Variant Classification Scheme 2023. Collection method: clinical testing. Allele origin: germline.
Comment: The p.Y307F variant (also known as c.920A>T), located in coding exon 4 of the BARD1 gene, results from an A to T substitution at nucleotide position 920. The tyrosine at codon 307 is replaced by phenylalanine, an amino acid with highly similar properties. This amino acid position is poorly conserved in available vertebrate species. In addition, this alteration is predicted to be tolerated by in silico analysis. Since supporting evidence is limited at this time, the clinical significance of this alteration remains unclear.

Color Diagnostics, LLC DBA Color Health
Classification: Uncertain significance for Hereditary cancer-predisposing syndrome. Last evaluated: 2024-03-06. Review status: criteria provided, single submitter. Criteria: ACMG Guidelines, 2015. Collection method: clinical testing. Allele origin: germline.
Comment: This missense variant replaces tyrosine with phenylalanine at codon 307 of the BARD1 protein. Computational prediction suggests that this variant may not impact protein structure and function (internally defined REVEL score threshold <= 0.5, PMID: 27666373). To our knowledge, functional studies have not been reported for this variant. This variant has not been reported in individuals affected with hereditary cancer in the literature. This variant has been identified in 1/250564 chromosomes in the general population by the Genome Aggregation Database (gnomAD). The available evidence is insufficient to determine the role of this variant in disease conclusively. Therefore, this variant is classified as a Variant of Uncertain Significance.

NM_000465.4(BARD1):c.920A>T (p.Tyr307Phe)

Gene: BARD1 (BRCA1 associated RING domain 1; minus strand). Cytogenetic location: 2q35.
Variant type: single nucleotide variant.
Coding change: c.920A>T on transcript NM_000465.4 (MANE Select); coding-DNA position 920, A replaced by T.
Protein change: p.Tyr307Phe; replaces tyrosine 307 with phenylalanine.
Molecular consequence: missense variant. On other transcripts: non-coding transcript variant (2), intron variant (3).
Genome position (GRCh38, 1-based): chr2:214,780,954, T>A on the plus strand (A>T on the coding strand, the complement: BARD1 is on the minus strand). VCF-style: chr2-214780954-T-A. GRCh37 (hg19) VCF-style: chr2-215645678-T-A.
Other names: c.863A>T, p.Tyr288Phe (NM_001282543.2); c.159-28399A>T (NM_001282548.2); c.215+16107A>T (NM_001282545.2); c.364+11343A>T (NM_001282549.2); c.920A>T (NM_000465.2); short protein forms Y307F, Y288F.
Identifiers: ClinVar variation 631292 (VCV000631292.15), dbSNP rs764215274, ClinGen allele CA350455066.
Genomic context (GRCh38, chr2:214,780,954, plus strand): 5'-CTATTGTGATGGCCACGTTTTCCATTATTTTCTAATGGCAAAGATTTCTTAGATGTAAGA[T>A]AATTTTTGCAGACCTTCTCAGGAGTCACTACTTCATTCCTGCTCTTAGTGTCTGGAGACT-3'
Protein context (NP_000456.2, residues 297-317): VVTPEKVCKN[Tyr307Phe]LTSKKSLPLE